The following is an entry in ClinVar:

NM_000051.4(ATM):c.8592C>G (p.Tyr2864Ter)

Genes: ATM (ATM serine/threonine kinase; plus strand), C11orf65 (chromosome 11 open reading frame 65; minus strand). Cytogenetic location: 11q22.3.
Variant type: single nucleotide variant.
Coding change: c.8592C>G on transcript NM_000051.4 (MANE Select); coding-DNA position 8592, C replaced by G.
Protein change: p.Tyr2864Ter; replaces tyrosine 2864 with a stop codon.
Molecular consequence: nonsense. On other transcripts: intron variant (2).
Genome position (GRCh38, 1-based): chr11:108,347,286, C>G. VCF-style: chr11-108347286-C-G. GRCh37 (hg19) VCF-style: chr11-108218013-C-G.
Other names: c.8592C>G, p.Tyr2864Ter (NM_001351834.2); c.641-38215G>C (NM_001330368.2); c.695-11994G>C (NM_001351110.2); short protein forms Y2864*.
Identifiers: ClinVar variation 1331958 (VCV001331958.11), dbSNP rs56025670, ClinGen allele CA382520386.

ClinVar aggregate classification (germline): Pathogenic. Review status: criteria provided, multiple submitters, no conflicts (2 of 4 stars). 3 submissions from 3 submitters: Pathogenic (3). Last evaluated 2023-10-16.

Conditions:
Hereditary cancer-predisposing syndrome. Also called: Tumor predisposition; Neoplastic Syndromes, Hereditary; Hereditary Cancer Syndrome; Hereditary neoplastic syndrome. Identifiers: Orphanet 140162, MedGen C0027672, MeSH D009386, MONDO:0015356.
Ataxia-telangiectasia syndrome (AT). Also called: Ataxia-telangiectasia; LOUIS-BAR SYNDROME; Ataxia-telangiectasia, complementation group D; AT, COMPLEMENTATION GROUP C; ATAXIA-TELANGIECTASIA, COMPLEMENTATION GROUP A; ATAXIA-TELANGIECTASIA, FRESNO VARIANT. Identifiers: Orphanet 100, MedGen C0004135, MONDO:0008840, OMIM 208900.

Submissions (3):

Labcorp Genetics (formerly Invitae), Labcorp
Classification: Pathogenic for Ataxia-telangiectasia syndrome. Last evaluated: 2023-10-16. Review status: criteria provided, single submitter. Criteria: Invitae Variant Classification Sherloc (09022015). Collection method: clinical testing. Allele origin: germline.
Comment: This sequence change creates a premature translational stop signal (p.Tyr2864*) in the ATM gene. It is expected to result in an absent or disrupted protein product. Loss-of-function variants in ATM are known to be pathogenic (PMID: 23807571, 25614872). This variant is not present in population databases (gnomAD no frequency). This variant has not been reported in the literature in individuals affected with ATM-related conditions. ClinVar contains an entry for this variant (Variation ID: 1331958). For these reasons, this variant has been classified as Pathogenic.

Ambry Genetics
Classification: Pathogenic for Hereditary cancer-predisposing syndrome. Last evaluated: 2023-02-24. Review status: criteria provided, single submitter. Criteria: Ambry Variant Classification Scheme 2023. Collection method: clinical testing. Allele origin: germline.
Comment: The p.Y2864* pathogenic mutation (also known as c.8592C>G), located in coding exon 58 of the ATM gene, results from a C to G substitution at nucleotide position 8592. This changes the amino acid from a tyrosine to a stop codon within coding exon 58. This variant is considered to be rare based on population cohorts in the Genome Aggregation Database (gnomAD). This alteration is expected to result in loss of function by premature protein truncation or nonsense-mediated mRNA decay. As such, this alteration is interpreted as a disease-causing mutation.

Color Diagnostics, LLC DBA Color Health
Classification: Pathogenic for Hereditary cancer-predisposing syndrome. Last evaluated: 2021-06-01. Review status: criteria provided, single submitter. Criteria: ACMG Guidelines, 2015. Collection method: clinical testing. Allele origin: germline.
Comment: This variant changes 1 nucleotide in exon 59 of the ATM gene, creating a premature translation stop signal. This variant is expected to result in an absent or non-functional protein product. To our knowledge, this variant has not been reported in individuals affected with hereditary cancer in the literature. This variant has not been identified in the general population by the Genome Aggregation Database (gnomAD). Loss of ATM function is a known mechanism of disease. Based on the available evidence, this variant is classified as Pathogenic.

Literature cited by the submitters: PubMed 23807571 (cited by Labcorp Genetics (formerly Invitae), Labcorp); PubMed 25614872 (cited by Labcorp Genetics (formerly Invitae), Labcorp).